The following is an entry in ClinVar:

ClinVar aggregate classification (germline): Conflicting classifications of pathogenicity. Review status: criteria provided, conflicting classifications (1 of 4 stars). 7 submissions from 7 submitters: Uncertain significance (6); Benign (1). Last evaluated 2025-09-11.

Conditions:
Hereditary cancer-predisposing syndrome. Also called: Neoplastic Syndromes, Hereditary; Hereditary neoplastic syndrome; Hereditary Cancer Syndrome; Tumor predisposition. Identifiers: Orphanet 140162, MedGen C0027672, MeSH D009386, MONDO:0015356.
Tuberous sclerosis syndrome (TSC). Also called: Tuberous sclerosis; Tuberous Sclerosis Complex. Identifiers: Orphanet 805, MedGen C0041341, MONDO:0001734.
Tuberous sclerosis 2 (TSC2). Identifiers: Orphanet 805, MedGen C1860707, MONDO:0013199, OMIM 613254.

Allele frequency attached by ClinVar (database versions not stated): gnomAD exomes below 0.00001 and 0.00001; gnomAD 0.00001; TOPMed 0.00001.
gnomAD v4.1: 9 of 1,613,674 alleles (0.00056%); highest among the groups gnomAD compares: African/African-American, 0.0013%; no homozygotes.

Submissions (7):

Ambry Genetics
Classification: Uncertain significance for Hereditary cancer-predisposing syndrome. Last evaluated: 2025-09-11. Review status: criteria provided, single submitter. Criteria: Ambry Variant Classification Scheme 2023. Collection method: clinical testing. Allele origin: germline.
Comment: The p.R59W variant (also known as c.175C>T), located in coding exon 2 of the TSC2 gene, results from a C to T substitution at nucleotide position 175. The arginine at codon 59 is replaced by tryptophan, an amino acid with dissimilar properties. This amino acid position is well conserved in available vertebrate species. In addition, the in silico prediction for this alteration is inconclusive. Since supporting evidence is limited at this time, the clinical significance of this alteration remains unclear.

Labcorp Genetics (formerly Invitae), Labcorp
Classification: Benign for Tuberous sclerosis 2. Last evaluated: 2025-02-02. Review status: criteria provided, single submitter. Criteria: Invitae Variant Classification Sherloc (09022015). Collection method: clinical testing. Allele origin: germline.

All of Us Research Program, National Institutes of Health
Classification: Uncertain significance for Tuberous sclerosis syndrome. Last evaluated: 2024-08-13. Review status: criteria provided, single submitter. Criteria: ACMG Guidelines, 2015. Collection method: clinical testing. Allele origin: germline. Inheritance: Autosomal dominant inheritance. Observed: 1 variant allele, 1 heterozygote.
Comment: This missense variant replaces arginine with tryptophan at codon 59 of the TSC2 protein. Computational prediction is inconclusive regarding the impact of this variant on protein structure and function. To our knowledge, functional studies have not been reported for this variant. This variant has been reported in an individual affected with tuberous sclerosis and an individual with autosomal dominant polycystic kidney disease (PMID: 33437033, 34252879). This variant has been identified in 1/251154 chromosomes in the general population by the Genome Aggregation Database (gnomAD). The available evidence is insufficient to determine the role of this variant in disease conclusively. Therefore, this variant is classified as a Variant of Uncertain Significance.

This study involves interpretation of variants in research participants for the purpose of population health screening. Participant phenotype was not available at the time of variant classification. Additional details can be found in publication PMID: 35346344, PMCID: PMC8962531

Color Diagnostics, LLC DBA Color Health
Classification: Uncertain significance for Tuberous sclerosis syndrome. Last evaluated: 2024-07-31. Review status: criteria provided, single submitter. Criteria: ACMG Guidelines, 2015. Collection method: clinical testing. Allele origin: germline.
Comment: This missense variant replaces arginine with tryptophan at codon 59 of the TSC2 protein. Computational prediction is inconclusive regarding the impact of this variant on protein structure and function. To our knowledge, functional studies have not been reported for this variant. This variant has been reported in an individual affected with tuberous sclerosis and an individual with autosomal dominant polycystic kidney disease (PMID: 33437033, 34252879). This variant has been identified in 1/251154 chromosomes in the general population by the Genome Aggregation Database (gnomAD). The available evidence is insufficient to determine the role of this variant in disease conclusively. Therefore, this variant is classified as a Variant of Uncertain Significance.

MGZ Medical Genetics Center
Classification: Uncertain significance for Tuberous sclerosis 2. Last evaluated: 2022-08-10. Review status: criteria provided, single submitter. Criteria: ACMG Guidelines, 2015. Collection method: clinical testing. Allele origin: germline. Affected: yes. Observed: 1 variant allele.
Comment: ACMG criteria applied: PP3_STR, PM2_SUP

Genome-Nilou Lab
Classification: Uncertain significance for Tuberous sclerosis 2. Last evaluated: 2021-11-07. Review status: criteria provided, single submitter. Criteria: ACMG Guidelines, 2015. Collection method: clinical testing. Allele origin: germline. Affected: no.

Molecular Genetics of Inherited Kidney Disorders Laboratory, Garvan Institute of Medical Research
Classification: Uncertain significance. Last evaluated: 2019-01-01. Review status: criteria provided, single submitter. Criteria: ACMG Guidelines, 2015. Collection method: clinical testing. Allele origin: germline. Affected: yes.

Literature cited by the submitters: PubMed 33437033 (cited by 3 submitters); PubMed 34252879 (cited by All of Us Research Program, National Institutes of Health and Color Diagnostics, LLC DBA Color Health).

NM_000548.5(TSC2):c.175C>T (p.Arg59Trp)

Gene: TSC2 (TSC complex subunit 2; plus strand). Cytogenetic location: 16p13.3.
Variant type: single nucleotide variant.
Coding change: c.175C>T on transcript NM_000548.5 (MANE Select); coding-DNA position 175, C replaced by T.
Protein change: p.Arg59Trp; replaces arginine 59 with tryptophan.
Molecular consequence: missense variant. On other transcripts: 5 prime UTR variant (1).
Genome position (GRCh38, 1-based): chr16:2,050,436, C>T. VCF-style: chr16-2050436-C-T. GRCh37 (hg19) VCF-style: chr16-2100437-C-T.
Other names: c.175C>T, p.Arg59Trp (NM_001114382.3, NM_001318827.2, NM_001370405.1 and 4 more transcripts); c.28C>T, p.Arg10Trp (NM_001318829.2); c.-52C>T (NM_001318831.2); c.208C>T, p.Arg70Trp (NM_001318832.2); short protein forms R10W, R59W, R70W.
Identifiers: ClinVar variation 659055 (VCV000659055.21), dbSNP rs1015282988, ClinGen allele CA276769391.
Genomic context (GRCh38, chr16:2,050,436, plus strand): 5'-TTTTCTTCTTTCATCTCTCTCCAGGAACTGAGCATGGAATGTGGCCTCAACAATCGCATC[C>T]GGATGATAGGGCAGATTTGTGAAGTCGCAAAAACCAAGAAATTTGAAGAGGTAGGTTTAT-3'
Protein context (NP_000539.2, residues 49-69): SMECGLNNRI[Arg59Trp]MIGQICEVAK